The following is an entry in ClinVar:

NM_005744.5(ARIH1):c.912-15T>C

Gene: ARIH1 (ariadne RBR E3 ubiquitin protein ligase 1; plus strand). Cytogenetic location: 15q24.1.
Variant type: single nucleotide variant.
Coding change: c.912-15T>C on transcript NM_005744.5 (MANE Select); 15 bases into the intron before coding-DNA position 912, T replaced by C.
Molecular consequence: intron variant.
Genome position (GRCh38, 1-based): chr15:72,566,548, T>C. VCF-style: chr15-72566548-T-C. GRCh37 (hg19) VCF-style: chr15-72858889-T-C.
Identifiers: ClinVar variation 4767327 (VCV004767327.1).

ClinVar aggregate classification (germline): Uncertain significance (1 of 4 stars; one submission).

gnomAD v4.1: 1 of 1,609,402 alleles (0.000062%); no homozygotes.

Submission:

Labcorp Genetics (formerly Invitae), Labcorp
Classification: Uncertain significance. Last evaluated: 2026-01-06. Review status: criteria provided, single submitter. Criteria: Invitae Variant Classification Sherloc (09022015). Collection method: clinical testing. Allele origin: germline.
Comment: This sequence change falls in intron 7 of the ARIH1 gene. It does not directly change the encoded amino acid sequence of the ARIH1 protein. This variant is not present in population databases (gnomAD no frequency). This variant has not been reported in the literature in individuals affected with ARIH1-related conditions. Algorithms developed to predict the effect of sequence changes on RNA splicing suggest that this variant may disrupt the consensus splice site. In summary, the available evidence is currently insufficient to determine the role of this variant in disease. Therefore, it has been classified as a Variant of Uncertain Significance.